The following is an entry in ClinVar:

NM_012200.4(B3GAT3):c.82+1G>A

Gene: B3GAT3 (beta-1,3-glucuronyltransferase 3; minus strand). Cytogenetic location: 11q12.3.
Variant type: single nucleotide variant.
Coding change: c.82+1G>A on transcript NM_012200.4 (MANE Select); the canonical splice donor site of the intron after coding-DNA position 82, G replaced by A.
Molecular consequence: splice donor variant.
Genome position (GRCh38, 1-based): chr11:62,621,865, C>T on the plus strand (G>A on the coding strand, the complement: B3GAT3 is on the minus strand). VCF-style: chr11-62621865-C-T. GRCh37 (hg19) VCF-style: chr11-62389337-C-T.
Other names: c.82+1G>A (NM_001288722.2, NM_001288723.2); c.-179+1G>A (NM_001288721.2).
Identifiers: ClinVar variation 2906193 (VCV002906193.3), dbSNP rs1046674759, ClinGen allele CA223043171.
Genomic context (GRCh38, chr11:62,621,865, plus strand): 5'-GGATGCACGGCGGCGGGCGCCCTCGGGCCAGCCCGCCGCACCCCCGCCCCGCCCCGCTCA[C>T]CGAGCTGTACCAGCGCGTAGAGGAGGCCGGCGATCGACACCAGGAAGTAGGCGAGAAACA-3'

ClinVar aggregate classification (germline): Likely pathogenic (1 of 4 stars; one submission).

Conditions:
Larsen-like syndrome, B3GAT3 type. Also called: Multiple joint dislocations, short stature, craniofacial dysmorphism, with or without congenital heart defects; MULTIPLE JOINT DISLOCATIONS, SHORT STATURE, AND CRANIOFACIAL DYSMORPHISM WITH OR WITHOUT CONGENITAL HEART DEFECTS. Identifiers: Orphanet 284139, MedGen CN034159, MONDO:0009511, OMIM 245600.

Allele frequency attached by ClinVar (database versions not stated): gnomAD exomes below 0.00001; TOPMed below 0.00001; gnomAD 0.00001.

Submission:

Labcorp Genetics (formerly Invitae), Labcorp
Classification: Likely pathogenic for Larsen-like syndrome, B3GAT3 type. Last evaluated: 2022-10-18. Review status: criteria provided, single submitter. Criteria: Invitae Variant Classification Sherloc (09022015). Collection method: clinical testing. Allele origin: germline.
Comment: This variant has not been reported in the literature in individuals affected with B3GAT3-related conditions. This variant is present in population databases (no rsID available, gnomAD 0.0009%). This sequence change affects a donor splice site in intron 1 of the B3GAT3 gene. It is expected to disrupt RNA splicing. Variants that disrupt the donor or acceptor splice site typically lead to a loss of protein function (PMID: 16199547), and loss-of-function variants in B3GAT3 are known to be pathogenic (PMID: 25893793, 27871226). Algorithms developed to predict the effect of sequence changes on RNA splicing suggest that this variant may disrupt the consensus splice site. In summary, the currently available evidence indicates that the variant is pathogenic, but additional data are needed to prove that conclusively. Therefore, this variant has been classified as Likely Pathogenic.

Literature cited by the submitters: PubMed 16199547; PubMed 25893793; PubMed 27871226.